The following is an entry in ClinVar:

NM_013266.4(CTNNA3):c.452T>G (p.Val151Gly)

Gene: CTNNA3 (catenin alpha 3; minus strand). Cytogenetic location: 10q21.3.
Variant type: single nucleotide variant.
Coding change: c.452T>G on transcript NM_013266.4 (MANE Select); coding-DNA position 452, T replaced by G.
Protein change: p.Val151Gly; replaces valine 151 with glycine.
Molecular consequence: missense variant.
Genome position (GRCh38, 1-based): chr10:67,539,510, A>C on the plus strand (T>G on the coding strand, the complement: CTNNA3 is on the minus strand). VCF-style: chr10-67539510-A-C. GRCh37 (hg19) VCF-style: chr10-69299268-A-C.
Other names: c.452T>G, p.Val151Gly (NM_001127384.3); c.488T>G, p.Val163Gly (NM_001291133.2); c.452T>G (NM_013266.2); short protein forms V151G, V163G.
Identifiers: ClinVar variation 474824 (VCV000474824.11), dbSNP rs756167695, ClinGen allele CA5520618.

ClinVar aggregate classification (germline): Uncertain significance. Review status: criteria provided, multiple submitters, no conflicts (2 of 4 stars). 2 submissions from 2 submitters: Uncertain significance (2). Last evaluated 2026-01-25.

Conditions:
Arrhythmogenic right ventricular dysplasia 13. Also called: Arrhythmogenic right ventricular dysplasia, familial, 13; ARRHYTHMOGENIC RIGHT VENTRICULAR CARDIOMYOPATHY 13. Identifiers: MedGen C3810138, MONDO:0000908, OMIM 615616.

Allele frequency attached by ClinVar (database versions not stated): ExAC 0.00002; gnomAD 0.00003; TOPMed 0.00004.
gnomAD v4.1: 20 of 1,613,212 alleles (0.0012%); highest among the groups gnomAD compares: Middle Eastern, 0.033%; no homozygotes.

Submissions (2):

Labcorp Genetics (formerly Invitae), Labcorp
Classification: Uncertain significance for Arrhythmogenic right ventricular dysplasia 13. Last evaluated: 2026-01-25. Review status: criteria provided, single submitter. Criteria: Invitae Variant Classification Sherloc (09022015). Collection method: clinical testing. Allele origin: germline.
Comment: This sequence change replaces valine, which is neutral and non-polar, with glycine, which is neutral and non-polar, at codon 151 of the CTNNA3 protein (p.Val151Gly). This variant is present in population databases (rs756167695, gnomAD 0.03%). This variant has not been reported in the literature in individuals affected with CTNNA3-related conditions. ClinVar contains an entry for this variant (Variation ID: 474824). Invitae Evidence Modeling of protein sequence and biophysical properties (such as structural, functional, and spatial information, amino acid conservation, physicochemical variation, residue mobility, and thermodynamic stability) indicates that this missense variant is not expected to disrupt CTNNA3 protein function with a negative predictive value of 80%. In summary, the available evidence is currently insufficient to determine the role of this variant in disease. Therefore, it has been classified as a Variant of Uncertain Significance.

Ambry Genetics
Classification: Uncertain significance. Last evaluated: 2025-10-26. Review status: criteria provided, single submitter. Criteria: Ambry Variant Classification Scheme 2023. Collection method: clinical testing. Allele origin: germline.
Comment: The p.V151G variant (also known as c.452T>G), located in coding exon 3 of the CTNNA3 gene, results from a T to G substitution at nucleotide position 452. The valine at codon 151 is replaced by glycine, an amino acid with dissimilar properties. This amino acid position is conserved. In addition, the in silico prediction for this alteration is inconclusive. Since supporting evidence is limited at this time, the clinical significance of this alteration remains unclear.